The following is an entry in ClinVar:

ClinVar aggregate classification (germline): Uncertain significance (1 of 4 stars; one submission).

Conditions:
Nephronophthisis. Also called: Juvenile Nephronophthisis. Identifiers: Orphanet 655, MedGen C0687120, MONDO:0019005, HP:0000090.

Allele frequency attached by ClinVar (database versions not stated): gnomAD exomes below 0.00001; TOPMed below 0.00001.
gnomAD v4.1: 6 of 1,614,032 alleles (0.00037%); highest among the groups gnomAD compares: South Asian, 0.0055%; no homozygotes.

Submission:

Labcorp Genetics (formerly Invitae), Labcorp
Classification: Uncertain significance for Nephronophthisis. Last evaluated: 2020-11-20. Review status: criteria provided, single submitter. Criteria: Invitae Variant Classification Sherloc (09022015). Collection method: clinical testing. Allele origin: germline.
Comment: This sequence change replaces proline with histidine at codon 268 of the NPHP3 protein (p.Pro268His). The proline residue is moderately conserved and there is a moderate physicochemical difference between proline and histidine. This variant is not present in population databases (ExAC no frequency). This variant has not been reported in the literature in individuals with NPHP3-related conditions. Algorithms developed to predict the effect of missense changes on protein structure and function are either unavailable or do not agree on the potential impact of this missense change (SIFT: "Deleterious"; PolyPhen-2: "Probably Damaging"; Align-GVGD: "Class C0"). In summary, the available evidence is currently insufficient to determine the role of this variant in disease. Therefore, it has been classified as a Variant of Uncertain Significance.

NM_153240.5(NPHP3):c.803C>A (p.Pro268His)

Genes: NPHP3 (nephrocystin 3; minus strand), NPHP3-ACAD11 (NPHP3-ACAD11 readthrough (NMD candidate); minus strand). Cytogenetic location: 3q22.1.
Variant type: single nucleotide variant.
Coding change: c.803C>A on transcript NM_153240.5 (MANE Select); coding-DNA position 803, C replaced by A.
Protein change: p.Pro268His; replaces proline 268 with histidine.
Molecular consequence: missense variant. On other transcripts: non-coding transcript variant (1).
Genome position (GRCh38, 1-based): chr3:132,716,777, G>T on the plus strand (C>A on the coding strand, the complement: NPHP3 is on the minus strand). VCF-style: chr3-132716777-G-T. GRCh37 (hg19) VCF-style: chr3-132435621-G-T.
Other names: short protein forms P268H.
Identifiers: ClinVar variation 1020811 (VCV001020811.7), dbSNP rs1477838330, ClinGen allele CA354586371.
Genomic context (GRCh38, chr3:132,716,777, plus strand): 5'-ACTACCACTAGGCAAGTAATTGACAAACAGCATGTATTACCTCTATTAACATTTGCAAAG[G>T]GTCCTTCCACATCTATAGAACTATGGGCAAACTCAGGGCCTCTGAAGGACTGCTGAAGCT-3'
Protein context (NP_694972.3, residues 258-278): FAHSSIDVEG[Pro268His]FANVNRDDWD